The following is an entry in ClinVar:

ClinVar aggregate classification (germline): Uncertain significance (1 of 4 stars; one submission).

Conditions:
Cardiovascular phenotype. Identifiers: MedGen CN230736.

gnomAD v4.1: 5 of 1,613,870 alleles (0.00031%); highest among the groups gnomAD compares: East Asian, 0.0045%; no homozygotes.

Submission:

Ambry Genetics
Classification: Uncertain significance for Cardiovascular phenotype. Last evaluated: 2019-09-23. Review status: criteria provided, single submitter. Criteria: Ambry Variant Classification Scheme 2023. Collection method: clinical testing. Allele origin: germline.
Comment: The p.G22216D variant (also known as c.66647G>A), located in coding exon 166 of the TTN gene, results from a G to A substitution at nucleotide position 66647. The glycine at codon 22216 is replaced by aspartic acid, an amino acid with similar properties. This amino acid position is well conserved in available vertebrate species. In addition, this alteration is predicted to be tolerated by in silico analysis. Since supporting evidence is limited at this time, the clinical significance of this alteration remains unclear.

NM_001267550.2(TTN):c.93842G>A (p.Gly31281Asp)

Genes: TTN (titin; minus strand), TTN-AS1 (TTN antisense RNA 1; plus strand). Cytogenetic location: 2q31.2.
Variant type: single nucleotide variant.
Coding change: c.93842G>A on transcript NM_001267550.2 (MANE Select); coding-DNA position 93842, G replaced by A.
Protein change: p.Gly31281Asp; replaces glycine 31281 with aspartic acid.
Molecular consequence: missense variant.
Genome position (GRCh38, 1-based): chr2:178,547,784, C>T on the plus strand (G>A on the coding strand, the complement: TTN is on the minus strand). VCF-style: chr2-178547784-C-T. GRCh37 (hg19) VCF-style: chr2-179412511-C-T.
Other names: c.88919G>A, p.Gly29640Asp (NM_001256850.1); c.66647G>A, p.Gly22216Asp (NM_003319.4); c.86138G>A, p.Gly28713Asp (NM_133378.4); c.67022G>A, p.Gly22341Asp (NM_133432.3); c.67223G>A, p.Gly22408Asp (NM_133437.4); short protein forms G22216D, G22341D, G28713D, G31281D, G22408D, G29640D.
Identifiers: ClinVar variation 1754746 (VCV001754746.2), dbSNP rs2469105888, ClinGen allele CA349480342.